The following is an entry in ClinVar:

NM_015338.6(ASXL1):c.2477G>A (p.Gly826Glu)

Gene: ASXL1 (ASXL transcriptional regulator 1; plus strand). Cytogenetic location: 20q11.21.
Variant type: single nucleotide variant.
Coding change: c.2477G>A on transcript NM_015338.6 (MANE Select); coding-DNA position 2477, G replaced by A.
Protein change: p.Gly826Glu; replaces glycine 826 with glutamic acid.
Molecular consequence: missense variant.
Genome position (GRCh38, 1-based): chr20:32,435,189, G>A. VCF-style: chr20-32435189-G-A. GRCh37 (hg19) VCF-style: chr20-31022992-G-A.
Other names: c.2294G>A, p.Gly765Glu (NM_001363734.1); short protein forms G765E, G826E.
Identifiers: ClinVar variation 3438837 (VCV003438837.1).

ClinVar aggregate classification (germline): Uncertain significance (1 of 4 stars; one submission).

Conditions:
Inborn genetic diseases. Identifiers: MedGen C0950123, MeSH D030342.

gnomAD v4.1: 1 of 1,613,900 alleles (0.000062%); highest among the groups gnomAD compares: Non-Finnish European, 0.000085%; no homozygotes.

Submission:

Ambry Genetics
Classification: Uncertain significance for Inborn genetic diseases. Last evaluated: 2024-11-26. Review status: criteria provided, single submitter. Criteria: Ambry Variant Classification Scheme 2023. Collection method: clinical testing. Allele origin: germline.
Comment: The p.G826E variant (also known as c.2477G>A), located in coding exon 13 of the ASXL1 gene, results from a G to A substitution at nucleotide position 2477. The glycine at codon 826 is replaced by glutamic acid, an amino acid with similar properties. This amino acid position is conserved. In addition, this alteration is predicted to be tolerated by in silico analysis. Based on the available evidence, the clinical significance of this variant remains unclear.